The following is an entry in ClinVar:

NM_172250.3(MMAA):c.488T>C (p.Phe163Ser)

Gene: MMAA (metabolism of cobalamin associated A; plus strand). Cytogenetic location: 4q31.21.
Variant type: single nucleotide variant.
Coding change: c.488T>C on transcript NM_172250.3 (MANE Select); coding-DNA position 488, T replaced by C.
Protein change: p.Phe163Ser; replaces phenylalanine 163 with serine.
Molecular consequence: missense variant.
Genome position (GRCh38, 1-based): chr4:145,642,411, T>C. VCF-style: chr4-145642411-T-C. GRCh37 (hg19) VCF-style: chr4-146563563-T-C.
Other names: c.488T>C, p.Phe163Ser (NM_001375644.1); short protein forms F163S.
Identifiers: ClinVar variation 1489283 (VCV001489283.8), dbSNP rs753463116, ClinGen allele CA3095187.

ClinVar aggregate classification (germline): Uncertain significance (1 of 4 stars; one submission).

Conditions:
Methylmalonic aciduria, cblA type (MACA). Also called: Vitamin B12-responsive methylmalonic acidemia type cblA; Methylmalonic aciduria, vitamin B12-responsive; Methylmalonic aciduria, vitamin b12-responsive, due to defect in synthesis of adenosylcobalamin, cbla complementation type; MMA cbl A type; Methylmalonic acidemia cblA type. Identifiers: Orphanet 28, Orphanet 79310, MedGen C1855109, MONDO:0009613, OMIM 251100.

Allele frequency attached by ClinVar (database versions not stated): gnomAD 0.00001; gnomAD exomes 0.00002; ExAC 0.00004.
gnomAD v4.1: 16 of 1,614,046 alleles (0.00099%); highest among the groups gnomAD compares: Non-Finnish European, 0.00076%; no homozygotes.

Submission:

Labcorp Genetics (formerly Invitae), Labcorp
Classification: Uncertain significance for Methylmalonic aciduria, cblA type. Last evaluated: 2023-12-22. Review status: criteria provided, single submitter. Criteria: Invitae Variant Classification Sherloc (09022015). Collection method: clinical testing. Allele origin: germline.
Comment: This sequence change replaces phenylalanine, which is neutral and non-polar, with serine, which is neutral and polar, at codon 163 of the MMAA protein (p.Phe163Ser). This variant is present in population databases (rs753463116, gnomAD 0.004%). This variant has not been reported in the literature in individuals affected with MMAA-related conditions. ClinVar contains an entry for this variant (Variation ID: 1489283). Advanced modeling of protein sequence and biophysical properties (such as structural, functional, and spatial information, amino acid conservation, physicochemical variation, residue mobility, and thermodynamic stability) performed at Invitae indicates that this missense variant is expected to disrupt MMAA protein function with a positive predictive value of 80%. In summary, the available evidence is currently insufficient to determine the role of this variant in disease. Therefore, it has been classified as a Variant of Uncertain Significance.